The following is an entry in ClinVar:

ClinVar aggregate classification (germline): Uncertain significance (1 of 4 stars; one submission).

Allele frequency attached by ClinVar (database versions not stated): gnomAD exomes 0.00001; TOPMed 0.00002; ExAC 0.00003.
gnomAD v4.1: 5 of 1,613,420 alleles (0.00031%); highest among the groups gnomAD compares: Admixed American, 0.0083%; no homozygotes.

Submission:

Labcorp Genetics (formerly Invitae), Labcorp
Classification: Uncertain significance. Last evaluated: 2024-10-28. Review status: criteria provided, single submitter. Criteria: Invitae Variant Classification Sherloc (09022015). Collection method: clinical testing. Allele origin: germline.
Comment: This sequence change replaces arginine, which is basic and polar, with lysine, which is basic and polar, at codon 1133 of the KIAA1549 protein (p.Arg1133Lys). This variant is present in population databases (rs762166191, gnomAD 0.01%). This variant has not been reported in the literature in individuals affected with KIAA1549-related conditions. ClinVar contains an entry for this variant (Variation ID: 1924496). An algorithm developed to predict the effect of missense changes on protein structure and function (PolyPhen-2) suggests that this variant is likely to be disruptive. In summary, the available evidence is currently insufficient to determine the role of this variant in disease. Therefore, it has been classified as a Variant of Uncertain Significance.

NM_001164665.2(KIAA1549):c.3398G>A (p.Arg1133Lys)

Gene: KIAA1549 (KIAA1549; minus strand). Cytogenetic location: 7q34.
Variant type: single nucleotide variant.
Coding change: c.3398G>A on transcript NM_001164665.2 (MANE Select); coding-DNA position 3398, G replaced by A.
Protein change: p.Arg1133Lys; replaces arginine 1133 with lysine.
Molecular consequence: missense variant.
Genome position (GRCh38, 1-based): chr7:138,906,981, C>T on the plus strand (G>A on the coding strand, the complement: KIAA1549 is on the minus strand). VCF-style: chr7-138906981-C-T. GRCh37 (hg19) VCF-style: chr7-138591727-C-T.
Other names: c.3398G>A, p.Arg1133Lys (NM_020910.3); short protein forms R1133K.
Identifiers: ClinVar variation 1924496 (VCV001924496.3), dbSNP rs762166191, ClinGen allele CA4506221.
Genomic context (GRCh38, chr7:138,906,981, plus strand): 5'-TCTGCGATCTGCAGCACTGGGTATCCCAGATAGAAACTGAACTCCACCACACTCAAGTTT[C>T]TGAGCAGCTCGCTCACTTCCGACCCATTCAAAAATCCCTGTGTGCTTTTAACCGCAAAGA-3'
Protein context (NP_001158137.1, residues 1123-1143): LNGSEVSELL[Arg1133Lys]NLSVVEFSFY